The following is an entry in ClinVar:

NM_000038.6(APC):c.965T>C (p.Leu322Pro)

Gene: APC (APC regulator of Wnt signaling pathway; plus strand). Cytogenetic location: 5q22.2.
Variant type: single nucleotide variant.
Coding change: c.965T>C on transcript NM_000038.6 (MANE Select); coding-DNA position 965, T replaced by C.
Protein change: p.Leu322Pro; replaces leucine 322 with proline.
Molecular consequence: missense variant. On other transcripts: non-coding transcript variant (2), intron variant (15).
Genome position (GRCh38, 1-based): chr5:112,818,997, T>C. VCF-style: chr5-112818997-T-C. GRCh37 (hg19) VCF-style: chr5-112154694-T-C.
Other names: c.965T>C, p.Leu322Pro (NM_001127510.3, NM_001354895.2, NM_001354896.2 and 4 more transcripts); c.911T>C, p.Leu304Pro (NM_001127511.3); c.995T>C, p.Leu332Pro (NM_001354897.2, NM_001407446.1); c.890T>C, p.Leu297Pro (NM_001354898.2, NM_001407451.1); c.881T>C, p.Leu294Pro (NM_001354899.2, NM_001407452.1); c.788T>C, p.Leu263Pro (NM_001354900.2, NM_001354901.2, NM_001407453.1); c.116T>C, p.Leu39Pro (NM_001354906.2, NM_001407470.1); c.85-272T>C (NM_001407472.1, NM_001407471.1); and 5 more; short protein forms L263P, L294P, L297P, L304P, L322P, L332P, L39P.
Identifiers: ClinVar variation 4801441 (VCV004801441.1).
Genomic context (GRCh38, chr5:112,818,997, plus strand): 5'-TTTTGTTTCTAAACTCATTTGGCCCACAGGTGGAAATGGTGTATTCATTGTTGTCAATGC[T>C]TGGTACTCATGATAAGGATGATATGTCGCGAACTTTGCTAGCTATGTCTAGCTCCCAAGA-3'
Protein context (NP_000029.2, residues 312-332): VEMVYSLLSM[Leu322Pro]GTHDKDDMSR

ClinVar aggregate classification (germline): Uncertain significance (1 of 4 stars; one submission).

Conditions:
Familial adenomatous polyposis 1 (FAP1). Also called: FAMILIAL ADENOMATOUS POLYPOSIS 1, ATTENUATED; POLYPOSIS, ADENOMATOUS INTESTINAL. Identifiers: MedGen C2713442, MONDO:0021056, OMIM 175100. Disease mechanism: loss of function.

Submission:

Labcorp Genetics (formerly Invitae), Labcorp
Classification: Uncertain significance for Familial adenomatous polyposis 1. Last evaluated: 2025-10-13. Review status: criteria provided, single submitter. Criteria: Invitae Variant Classification Sherloc (09022015). Collection method: clinical testing. Allele origin: germline.
Comment: This sequence change replaces leucine, which is neutral and non-polar, with proline, which is neutral and non-polar, at codon 322 of the APC protein (p.Leu322Pro). This variant is not present in population databases (gnomAD no frequency). This variant has not been reported in the literature in individuals affected with APC-related conditions. Invitae Evidence Modeling of protein sequence and biophysical properties (such as structural, functional, and spatial information, amino acid conservation, physicochemical variation, residue mobility, and thermodynamic stability) has been performed for this missense variant. However, the output from this modeling did not meet the statistical confidence thresholds required to predict the impact of this variant on APC protein function. In summary, the available evidence is currently insufficient to determine the role of this variant in disease. Therefore, it has been classified as a Variant of Uncertain Significance.